The following is an entry in ClinVar:

NM_000550.3(TYRP1):c.195T>A (p.Cys65Ter)

Gene: TYRP1 (tyrosinase related protein 1; plus strand). Cytogenetic location: 9p23.
Variant type: single nucleotide variant.
Coding change: c.195T>A on transcript NM_000550.3 (MANE Select); coding-DNA position 195, T replaced by A.
Protein change: p.Cys65Ter; replaces cysteine 65 with a stop codon.
Molecular consequence: nonsense.
Genome position (GRCh38, 1-based): chr9:12,694,191, T>A. VCF-style: chr9-12694191-T-A. GRCh37 (hg19) VCF-style: chr9-12694191-T-A.
Other names: short protein forms C65*.
Identifiers: ClinVar variation 1453313 (VCV001453313.6), dbSNP rs759881199, ClinGen allele CA4985141.

ClinVar aggregate classification (germline): Pathogenic (1 of 4 stars; one submission).

Allele frequency attached by ClinVar (database versions not stated): gnomAD 0.00003; gnomAD exomes below 0.00001; ExAC 0.00001.
gnomAD v4.1: 4 of 1,613,792 alleles (0.00025%); highest among the groups gnomAD compares: African/African-American, 0.004%; no homozygotes.

Submission:

Labcorp Genetics (formerly Invitae), Labcorp
Classification: Pathogenic. Last evaluated: 2025-10-15. Review status: criteria provided, single submitter. Criteria: Invitae Variant Classification Sherloc (09022015). Collection method: clinical testing. Allele origin: germline.
Comment: This sequence change creates a premature translational stop signal (p.Cys65*) in the TYRP1 gene. It is expected to result in an absent or disrupted protein product. Loss-of-function variants in TYRP1 are known to be pathogenic (PMID: 8651291, 9345097). The frequency data for this variant in the population databases is considered unreliable, as metrics indicate poor data quality at this position in the gnomAD database. This variant has not been reported in the literature in individuals affected with TYRP1-related conditions. ClinVar contains an entry for this variant (Variation ID: 1453313). For these reasons, this variant has been classified as Pathogenic.

Literature cited by the submitters: PubMed 8651291; PubMed 9345097.